The following is an entry in ClinVar:

ClinVar aggregate classification (germline): Conflicting classifications of pathogenicity. Review status: criteria provided, conflicting classifications (1 of 4 stars). 2 submissions from 2 submitters: Uncertain significance (1); Likely benign (1). Last evaluated 2025-11-13.

Conditions:
Cardiovascular phenotype. Identifiers: MedGen CN230736.
Long QT syndrome (LQTS). Identifiers: MedGen C0023976, MeSH D008133, MONDO:0002442. Disease mechanism: loss of function. Inheritance: Various modes of inheritance.

Allele frequency attached by ClinVar (database versions not stated): TOPMed below 0.00001; ExAC 0.00002; gnomAD 0.00001; 1000 Genomes Project 0.00020; 1000 Genomes Project 30x 0.00016.

Submissions (2):

Labcorp Genetics (formerly Invitae), Labcorp
Classification: Likely benign for Long QT syndrome. Last evaluated: 2025-11-13. Review status: criteria provided, single submitter. Criteria: Invitae Variant Classification Sherloc (09022015). Collection method: clinical testing. Allele origin: germline.

Ambry Genetics
Classification: Uncertain significance for Cardiovascular phenotype. Last evaluated: 2024-12-20. Review status: criteria provided, single submitter. Criteria: Ambry Variant Classification Scheme 2023. Collection method: clinical testing. Allele origin: germline.
Comment: The c.3153-5C>T intronic variant results from a C to T substitution 5 nucleotides upstream from coding exon 14 in the KCNH2 gene. This nucleotide position is not well conserved in available vertebrate species. In silico splice site analysis predicts that this alteration will not have any significant effect on splicing. Based on the available evidence, the clinical significance of this variant remains unclear.

NM_000238.4(KCNH2):c.3153-5C>T

Gene: KCNH2 (potassium voltage-gated channel subfamily H member 2; minus strand). Cytogenetic location: 7q36.1.
Variant type: single nucleotide variant.
Coding change: c.3153-5C>T on transcript NM_000238.4 (MANE Select); 5 bases into the intron before coding-DNA position 3153, C replaced by T.
Molecular consequence: intron variant.
Genome position (GRCh38, 1-based): chr7:150,947,059, G>A on the plus strand (C>T on the coding strand, the complement: KCNH2 is on the minus strand). VCF-style: chr7-150947059-G-A. GRCh37 (hg19) VCF-style: chr7-150644147-G-A.
Other names: c.2865-5C>T (NM_001406753.1); c.2133-5C>T (NM_172057.3); c.3153-5C>T (NM_000238.3).
Identifiers: ClinVar variation 2981046 (VCV002981046.4), dbSNP rs533103813, ClinGen allele CA037605.